The following is an entry in ClinVar:

ClinVar aggregate classification (germline): Benign/Likely benign. Review status: criteria provided, multiple submitters, no conflicts (2 of 4 stars). 4 submissions from 4 submitters: Benign (1); Likely benign (2). 1 of the submissions does not count toward it. Last evaluated 2026-01-25.

Conditions:
CREB3L1-related disorder. Also called: CREB3L1-related condition.

Allele frequency attached by ClinVar (database versions not stated): 1000 Genomes Project 30x 0.00031; TOPMed 0.00158; gnomAD exomes 0.00165 and 0.00308; ExAC 0.00175; gnomAD 0.00183 and 0.00192; ESP Exome Variant Server 0.00249.
gnomAD v4.1: 4,681 of 1,613,772 alleles (0.29%); highest among the groups gnomAD compares: Non-Finnish European, 0.37%; 13 homozygotes.

Submissions (4):

Labcorp Genetics (formerly Invitae), Labcorp
Classification: Benign. Last evaluated: 2026-01-25. Review status: criteria provided, single submitter. Criteria: Invitae Variant Classification Sherloc (09022015). Collection method: clinical testing. Allele origin: germline.

Blueprint Genetics
Classification: Likely benign. Last evaluated: 2024-11-21. Review status: criteria provided, single submitter. Criteria: ACMG Guidelines, 2015. Collection method: clinical testing. Allele origin: germline.

GeneDx
Classification: Likely benign. Last evaluated: 2019-10-23. Review status: criteria provided, single submitter. Criteria: GeneDx Variant Classification Process June 2021. Collection method: clinical testing. Allele origin: germline. Affected: yes.

PreventionGenetics, part of Exact Sciences
Classification: Likely benign for CREB3L1-related condition. Last evaluated: 2019-12-20. Review status: no assertion criteria provided. Collection method: clinical testing. Allele origin: germline. Not counted in ClinVar's aggregate classification.
Comment: This variant is classified as likely benign based on ACMG/AMP sequence variant interpretation guidelines (Richards et al. 2015 PMID: 25741868, with internal and published modifications).

NM_052854.4(CREB3L1):c.1194C>T (p.Ser398=)

Gene: CREB3L1 (cAMP responsive element binding protein 3 like 1; plus strand). Cytogenetic location: 11p11.2.
Variant type: single nucleotide variant.
Coding change: c.1194C>T on transcript NM_052854.4 (MANE Select); coding-DNA position 1194, C replaced by T.
Protein change: p.Ser398=; no amino-acid change (serine 398 retained).
Molecular consequence: synonymous variant.
Genome position (GRCh38, 1-based): chr11:46,317,423, C>T. VCF-style: chr11-46317423-C-T. GRCh37 (hg19) VCF-style: chr11-46338974-C-T.
Identifiers: ClinVar variation 717096 (VCV000717096.15), dbSNP rs199639528, ClinGen allele CA5961808.